The following is an entry in ClinVar:

NM_001330260.2(SCN8A):c.1520A>C (p.Glu507Ala)

Gene: SCN8A (sodium voltage-gated channel alpha subunit 8; plus strand). Cytogenetic location: 12q13.13.
Variant type: single nucleotide variant.
Coding change: c.1520A>C on transcript NM_001330260.2 (MANE Select); coding-DNA position 1520, A replaced by C.
Protein change: p.Glu507Ala; replaces glutamic acid 507 with alanine.
Molecular consequence: missense variant.
Genome position (GRCh38, 1-based): chr12:51,706,600, A>C. VCF-style: chr12-51706600-A-C. GRCh37 (hg19) VCF-style: chr12-52100384-A-C.
Other names: c.1520A>C, p.Glu507Ala (NM_001177984.3, NM_001369788.1, NM_014191.4); short protein forms E507A.
Identifiers: ClinVar variation 647793 (VCV000647793.13), dbSNP rs371383623, ClinGen allele CA6571273.

ClinVar aggregate classification (germline): Uncertain significance. Review status: criteria provided, multiple submitters, no conflicts (2 of 4 stars). 2 submissions from 2 submitters: Uncertain significance (2). Last evaluated 2025-10-18.

Conditions:
Inborn genetic diseases. Identifiers: MedGen C0950123, MeSH D030342.
Early-infantile DEE. Also called: Early infantile epileptic encephalopathy with suppression bursts; Ohtahara syndrome; Early infantile epileptic encephalopathy. Identifiers: Orphanet 1934, MedGen C0393706, MONDO:0800491.

Allele frequency attached by ClinVar (database versions not stated): TOPMed 0.00002; ESP Exome Variant Server 0.00008.
gnomAD v4.1: 13 of 1,609,118 alleles (0.00081%); highest among the groups gnomAD compares: Non-Finnish European, 0.0011%; no homozygotes.

Submissions (2):

Labcorp Genetics (formerly Invitae), Labcorp
Classification: Uncertain significance for Early-infantile DEE. Last evaluated: 2025-10-18. Review status: criteria provided, single submitter. Criteria: Invitae Variant Classification Sherloc (09022015). Collection method: clinical testing. Allele origin: germline.
Comment: This sequence change replaces glutamic acid, which is acidic and polar, with alanine, which is neutral and non-polar, at codon 507 of the SCN8A protein (p.Glu507Ala). This variant is present in population databases (rs371383623, gnomAD 0.002%). This variant has not been reported in the literature in individuals affected with SCN8A-related conditions. ClinVar contains an entry for this variant (Variation ID: 647793). Invitae Evidence Modeling of protein sequence and biophysical properties (such as structural, functional, and spatial information, amino acid conservation, physicochemical variation, residue mobility, and thermodynamic stability) indicates that this missense variant is not expected to disrupt SCN8A protein function with a negative predictive value of 95%. In summary, the available evidence is currently insufficient to determine the role of this variant in disease. Therefore, it has been classified as a Variant of Uncertain Significance.

Ambry Genetics
Classification: Uncertain significance for Inborn genetic diseases. Last evaluated: 2018-12-04. Review status: criteria provided, single submitter. Criteria: Ambry Variant Classification Scheme 2023. Collection method: clinical testing. Allele origin: germline.
Comment: The p.E507A variant (also known as c.1520A>C), located in coding exon 10 of the SCN8A gene, results from an A to C substitution at nucleotide position 1520. The glutamic acid at codon 507 is replaced by alanine, an amino acid with dissimilar properties. This amino acid position is well conserved in available vertebrate species. Since supporting evidence is limited at this time, the clinical significance of this alteration remains unclear.